The following is an entry in ClinVar:

NM_013382.7(POMT2):c.1187C>T (p.Pro396Leu)

Gene: POMT2 (protein O-mannosyltransferase 2; minus strand). Cytogenetic location: 14q24.3.
Variant type: single nucleotide variant.
Coding change: c.1187C>T on transcript NM_013382.7 (MANE Select); coding-DNA position 1187, C replaced by T.
Protein change: p.Pro396Leu; replaces proline 396 with leucine.
Molecular consequence: missense variant.
Genome position (GRCh38, 1-based): chr14:77,288,828, G>A on the plus strand (C>T on the coding strand, the complement: POMT2 is on the minus strand). VCF-style: chr14-77288828-G-A. GRCh37 (hg19) VCF-style: chr14-77755171-G-A.
Other names: short protein forms P396L.
Identifiers: ClinVar variation 2066891 (VCV002066891.5), dbSNP rs763018692, ClinGen allele CA7285930.

ClinVar aggregate classification (germline): Uncertain significance. Review status: criteria provided, multiple submitters, no conflicts (2 of 4 stars). 3 submissions from 3 submitters: Uncertain significance (3). Last evaluated 2023-09-25.

Conditions:
Muscular dystrophy-dystroglycanopathy (congenital with brain and eye anomalies), type A2. Also called: MUSCULAR DYSTROPHY-DYSTROGLYCANOPATHY (CONGENITAL WITH BRAIN AND EYE ANOMALIES), TYPE A, 2; WALKER-WARBURG SYNDROME OR MUSCLE-EYE-BRAIN DISEASE, POMT2-RELATED. Identifiers: Orphanet 588, Orphanet 899, MedGen C3150411, MONDO:0013154, OMIM 613150.
Autosomal recessive limb-girdle muscular dystrophy type 2N. Also called: MUSCULAR DYSTROPHY-DYSTROGLYCANOPATHY, LIMB-GIRDLE, POMT2-RELATED; Muscular dystrophy-dystroglycanopathy (limb-girdle), type C, 2. Identifiers: Orphanet 206559, MedGen C3150418, MONDO:0013162, OMIM 613158.
Muscular dystrophy-dystroglycanopathy (congenital with impaired intellectual development), type B, 2. Also called: Muscular dystrophy-dystroglycanopathy (congenital with intellectual disability), type B2; MUSCULAR DYSTROPHY, CONGENITAL, POMT2-RELATED. Identifiers: MedGen C3150416, MONDO:0013160, OMIM 613156.
Inborn genetic diseases. Identifiers: MedGen C0950123, MeSH D030342.

Allele frequency attached by ClinVar (database versions not stated): gnomAD exomes 0.00001; ExAC 0.00003.
gnomAD v4.1: 18 of 1,613,644 alleles (0.0011%); highest among the groups gnomAD compares: South Asian, 0.014%; 1 homozygote.

Submissions (3):

Ambry Genetics
Classification: Uncertain significance for Inborn genetic diseases. Last evaluated: 2023-09-25. Review status: criteria provided, single submitter. Criteria: Ambry Variant Classification Scheme 2023. Collection method: clinical testing. Allele origin: germline.

Labcorp Genetics (formerly Invitae), Labcorp
Classification: Uncertain significance for Muscular dystrophy-dystroglycanopathy (congenital with impaired intellectual development), type B, 2; Muscular dystrophy-dystroglycanopathy (congenital with brain and eye anomalies), type A2; Autosomal recessive limb-girdle muscular dystrophy type 2N. Last evaluated: 2022-09-29. Review status: criteria provided, single submitter. Criteria: Invitae Variant Classification Sherloc (09022015). Collection method: clinical testing. Allele origin: germline.
Comment: This sequence change replaces proline, which is neutral and non-polar, with leucine, which is neutral and non-polar, at codon 396 of the POMT2 protein (p.Pro396Leu). This variant is present in population databases (rs763018692, gnomAD 0.02%). This variant has not been reported in the literature in individuals affected with POMT2-related conditions. Advanced modeling of protein sequence and biophysical properties (such as structural, functional, and spatial information, amino acid conservation, physicochemical variation, residue mobility, and thermodynamic stability) performed at Invitae indicates that this missense variant is not expected to disrupt POMT2 protein function. In summary, the available evidence is currently insufficient to determine the role of this variant in disease. Therefore, it has been classified as a Variant of Uncertain Significance.

Revvity Omics, Revvity
Classification: Uncertain significance. Last evaluated: 2019-01-25. Review status: criteria provided, single submitter. Criteria: ACMG Guidelines, 2015. Collection method: clinical testing. Allele origin: germline.